The following is an entry in ClinVar:

ClinVar aggregate classification (germline): Uncertain significance (1 of 4 stars; one submission).

Conditions:
Neurodevelopmental disorder with or without early-onset generalized epilepsy. Identifiers: MedGen C5436914, MONDO:0030930, OMIM 619157.

gnomAD v4.1: 1 of 1,613,576 alleles (0.000062%); highest among the groups gnomAD compares: South Asian, 0.0011%; no homozygotes.

Submission:

Dasa
Classification: Uncertain significance for neurodevelopmental disorder with or without early-onset generalized epilepsy. Last evaluated: 2025-12-13. Review status: criteria provided, single submitter. Criteria: DASA Assertion Criteria. Collection method: clinical testing. Allele origin: germline.
Comment: NM_001385012.1(NBEA):c.3134G>T (p.Gly1045Val) is a missense variant that results in the substitution of glycine with valine. This variant is rare in population databases. Computational prediction algorithms are consistent with a deleterious effect. The currently available literature and clinical evidence are not sufficient to establish a definitive association between this variant and the reported condition. Therefore, this variant is classified as a variant of uncertain significance.

NM_001385012.1(NBEA):c.3134G>T (p.Gly1045Val)

Gene: NBEA (neurobeachin; plus strand). Cytogenetic location: 13q13.3.
Variant type: single nucleotide variant.
Coding change: c.3134G>T on transcript NM_001385012.1 (MANE Select); coding-DNA position 3134, G replaced by T.
Protein change: p.Gly1045Val; replaces glycine 1045 with valine.
Molecular consequence: missense variant.
Genome position (GRCh38, 1-based): chr13:35,159,305, G>T. VCF-style: chr13-35159305-G-T. GRCh37 (hg19) VCF-style: chr13-35733442-G-T.
Other names: c.3134G>T, p.Gly1045Val (NM_001379245.1, NM_015678.5); short protein forms G1045V.
Identifiers: ClinVar variation 4882883 (VCV004882883.2).